The following is an entry in ClinVar:

NM_000257.4(MYH7):c.4918C>T (p.Gln1640Ter)

Genes: MHRT (myosin heavy chain associated RNA transcript; plus strand), MYH7 (myosin heavy chain 7; minus strand), LOC126861897 (BRD4-independent group 4 enhancer GRCh37_chr14:23884455-23885654; plus strand). Cytogenetic location: 14q11.2.
Variant type: single nucleotide variant.
Coding change: c.4918C>T on transcript NM_000257.4 (MANE Select); coding-DNA position 4918, C replaced by T.
Protein change: p.Gln1640Ter; replaces glutamine 1640 with a stop codon.
Molecular consequence: nonsense. On other transcripts: non-coding transcript variant (1).
Genome position (GRCh38, 1-based): chr14:23,416,039, G>A on the plus strand (C>T on the coding strand, the complement: MYH7 is on the minus strand). VCF-style: chr14-23416039-G-A. GRCh37 (hg19) VCF-style: chr14-23885248-G-A.
Other names: c.4918C>T, p.Gln1640Ter (NM_001407004.1); short protein forms Q1640*.
Identifiers: ClinVar variation 2814375 (VCV002814375.3), dbSNP rs2502244337, ClinGen allele CA389037359.

ClinVar aggregate classification (germline): Uncertain significance (1 of 4 stars; one submission).

Conditions:
Hypertrophic cardiomyopathy. Also called: HYPERTROPHIC MYOCARDIOPATHY. Identifiers: Orphanet 217569, MedGen C0007194, MeSH D002312, MONDO:0005045, HP:0001639.

Submission:

Labcorp Genetics (formerly Invitae), Labcorp
Classification: Uncertain significance for Hypertrophic cardiomyopathy. Last evaluated: 2022-11-15. Review status: criteria provided, single submitter. Criteria: Invitae Variant Classification Sherloc (09022015). Collection method: clinical testing. Allele origin: germline.
Comment: This variant is not present in population databases (gnomAD no frequency). This sequence change creates a premature translational stop signal (p.Gln1640*) in the MYH7 gene. It is expected to result in an absent or disrupted protein product. However, the current clinical and genetic evidence is not sufficient to establish whether loss-of-function variants in MYH7 cause disease. This variant has not been reported in the literature in individuals affected with MYH7-related conditions. In summary, the available evidence is currently insufficient to determine the role of this variant in disease. Therefore, it has been classified as a Variant of Uncertain Significance.